The following is an entry in ClinVar:

NM_014780.5(CUL7):c.4430A>G (p.Asn1477Ser)

Gene: CUL7 (cullin 7; minus strand). Cytogenetic location: 6p21.1.
Variant type: single nucleotide variant.
Coding change: c.4430A>G on transcript NM_014780.5 (MANE Select); coding-DNA position 4430, A replaced by G.
Protein change: p.Asn1477Ser; replaces asparagine 1477 with serine.
Molecular consequence: missense variant.
Genome position (GRCh38, 1-based): chr6:43,038,852, T>C on the plus strand (A>G on the coding strand, the complement: CUL7 is on the minus strand). VCF-style: chr6-43038852-T-C. GRCh37 (hg19) VCF-style: chr6-43006590-T-C.
Other names: c.4526A>G, p.Asn1509Ser (NM_001168370.2, NM_001374872.1); c.4430A>G, p.Asn1477Ser (NM_001374873.1); c.4427A>G, p.Asn1476Ser (NM_001374874.1); short protein forms N1509S, N1476S, N1477S.
Identifiers: ClinVar variation 1906321 (VCV001906321.5), dbSNP rs769111630, ClinGen allele CA3813221.

ClinVar aggregate classification (germline): Uncertain significance (1 of 4 stars; one submission).

Allele frequency attached by ClinVar (database versions not stated): TOPMed below 0.00001; ExAC 0.00001; gnomAD 0.00001; gnomAD exomes 0.00001.
gnomAD v4.1: 8 of 1,614,044 alleles (0.0005%); highest among the groups gnomAD compares: Non-Finnish European, 0.00068%; no homozygotes.

Submission:

Labcorp Genetics (formerly Invitae), Labcorp
Classification: Uncertain significance. Last evaluated: 2024-10-26. Review status: criteria provided, single submitter. Criteria: Invitae Variant Classification Sherloc (09022015). Collection method: clinical testing. Allele origin: germline.
Comment: This sequence change replaces asparagine, which is neutral and polar, with serine, which is neutral and polar, at codon 1477 of the CUL7 protein (p.Asn1477Ser). This variant is not present in population databases (gnomAD no frequency). This variant has not been reported in the literature in individuals affected with CUL7-related conditions. ClinVar contains an entry for this variant (Variation ID: 1906321). Invitae Evidence Modeling of protein sequence and biophysical properties (such as structural, functional, and spatial information, amino acid conservation, physicochemical variation, residue mobility, and thermodynamic stability) has been performed for this missense variant. However, the output from this modeling did not meet the statistical confidence thresholds required to predict the impact of this variant on CUL7 protein function. In summary, the available evidence is currently insufficient to determine the role of this variant in disease. Therefore, it has been classified as a Variant of Uncertain Significance.